The following is an entry in ClinVar:

ClinVar aggregate classification (germline): Uncertain significance (1 of 4 stars; one submission).

Conditions:
Familial thoracic aortic aneurysm and aortic dissection (TAAD). Also called: Thoracic aortic aneurysms and dissections. Identifiers: Orphanet 91387, MedGen C4707243, MONDO:0019625.

Submission:

Color Diagnostics, LLC DBA Color Health
Classification: Uncertain significance for Familial thoracic aortic aneurysm and aortic dissection. Last evaluated: 2024-03-06. Review status: criteria provided, single submitter. Criteria: ACMG Guidelines, 2015. Collection method: clinical testing. Allele origin: germline.
Comment: This missense variant replaces valine with glycine at codon 1142 of the COL3A1 protein. Computational prediction suggests that this variant may not impact protein structure and function (internally defined REVEL score threshold <= 0.5, PMID: 27666373). Splice site prediction tools suggest that this variant may not impact RNA splicing. To our knowledge, functional studies have not been performed for this variant. This variant has not been reported in individuals affected with cardiovascular disorders in the literature. This variant has not been identified in the general population by the Genome Aggregation Database (gnomAD). The available evidence is insufficient to determine the role of this variant in disease conclusively. Therefore, this variant is classified as a Variant of Uncertain Significance.

NM_000090.4(COL3A1):c.3425T>G (p.Val1142Gly)

Gene: COL3A1 (collagen type III alpha 1 chain; plus strand). Cytogenetic location: 2q32.2.
Variant type: single nucleotide variant.
Coding change: c.3425T>G on transcript NM_000090.4 (MANE Select); coding-DNA position 3425, T replaced by G.
Protein change: p.Val1142Gly; replaces valine 1142 with glycine.
Molecular consequence: missense variant.
Genome position (GRCh38, 1-based): chr2:189,008,042, T>G. VCF-style: chr2-189008042-T-G. GRCh37 (hg19) VCF-style: chr2-189872768-T-G.
Other names: short protein forms V1142G.
Identifiers: ClinVar variation 920767 (VCV000920767.4), dbSNP rs777307062, ClinGen allele CA349846314.
Genomic context (GRCh38, chr2:189,008,042, plus strand): 5'-GTCTGCATTTCAGAAAGATATTCTGGCATTGTGATGTCATGATACTTTCTTAGGGACCTG[T>G]TGGACCCAGTGGACCTCCTGGCAAAGATGGAACCAGTGGACATCCAGGTCCCATTGGACC-3'
Protein context (NP_000081.2, residues 1132-1152): SPGPAGPRGP[Val1142Gly]GPSGPPGKDG